The following is an entry in ClinVar:

NM_013275.6(ANKRD11):c.4361A>G (p.Asn1454Ser)

Gene: ANKRD11 (ankyrin repeat domain 11; minus strand). Cytogenetic location: 16q24.3.
Variant type: single nucleotide variant.
Coding change: c.4361A>G on transcript NM_013275.6 (MANE Select); coding-DNA position 4361, A replaced by G.
Protein change: p.Asn1454Ser; replaces asparagine 1454 with serine.
Molecular consequence: missense variant.
Genome position (GRCh38, 1-based): chr16:89,282,181, T>C on the plus strand (A>G on the coding strand, the complement: ANKRD11 is on the minus strand). VCF-style: chr16-89282181-T-C. GRCh37 (hg19) VCF-style: chr16-89348589-T-C.
Other names: c.4361A>G, p.Asn1454Ser (NM_001256182.2, NM_001256183.2); c.4361A>G (NM_013275.4); short protein forms N1454S.
Identifiers: ClinVar variation 3726892 (VCV003726892.4).

ClinVar aggregate classification (germline): Conflicting classifications of pathogenicity. Review status: criteria provided, conflicting classifications (1 of 4 stars). 3 submissions from 3 submitters: Uncertain significance (1); Likely benign (2). Last evaluated 2026-07-01.

Conditions:
KBG syndrome (KBGS). Also called: ANKRD11-Related KBG Syndrome. Identifiers: Orphanet 2332, MedGen C0220687, MONDO:0007846, OMIM 148050.
Inborn genetic diseases. Identifiers: MedGen C0950123, MeSH D030342.

gnomAD v4.1: 22 of 1,614,032 alleles (0.0014%); highest among the groups gnomAD compares: African/African-American, 0.0027%; no homozygotes.

Submissions (3):

CeGaT Center for Human Genetics Tuebingen
Classification: Likely benign. Last evaluated: 2026-07-01. Review status: criteria provided, single submitter. Criteria: CeGaT Center For Human Genetics Tuebingen Variant Classification Criteria Version 2. Collection method: clinical testing. Allele origin: germline. Affected: yes. Observed: 1 variant allele.
Comment: ANKRD11: BP4, BS2

Ambry Genetics
Classification: Likely benign for Inborn genetic diseases. Last evaluated: 2025-09-25. Review status: criteria provided, single submitter. Criteria: Ambry Variant Classification Scheme 2023. Collection method: clinical testing. Allele origin: germline.

Labcorp Genetics (formerly Invitae), Labcorp
Classification: Uncertain significance for KBG syndrome. Last evaluated: 2024-09-06. Review status: criteria provided, single submitter. Criteria: Invitae Variant Classification Sherloc (09022015). Collection method: clinical testing. Allele origin: germline.
Comment: This sequence change replaces asparagine, which is neutral and polar, with serine, which is neutral and polar, at codon 1454 of the ANKRD11 protein (p.Asn1454Ser). This variant is present in population databases (rs373244680, gnomAD 0.007%). This variant has not been reported in the literature in individuals affected with ANKRD11-related conditions. Invitae Evidence Modeling of protein sequence and biophysical properties (such as structural, functional, and spatial information, amino acid conservation, physicochemical variation, residue mobility, and thermodynamic stability) indicates that this missense variant is not expected to disrupt ANKRD11 protein function with a negative predictive value of 95%. In summary, the available evidence is currently insufficient to determine the role of this variant in disease. Therefore, it has been classified as a Variant of Uncertain Significance.